The following is an entry in ClinVar:

NM_007294.4(BRCA1):c.219A>G (p.Leu73=)

Gene: BRCA1 (BRCA1 DNA repair associated; minus strand). Cytogenetic location: 17q21.31.
Variant type: single nucleotide variant.
Coding change: c.219A>G on transcript NM_007294.4 (MANE Select); coding-DNA position 219, A replaced by G.
Protein change: p.Leu73=; no amino-acid change (leucine 73 retained).
Molecular consequence: synonymous variant. On other transcripts: 5 prime UTR variant (7), intron variant (2).
Genome position (GRCh38, 1-based): chr17:43,104,950, T>C on the plus strand (A>G on the coding strand, the complement: BRCA1 is on the minus strand). VCF-style: chr17-43104950-T-C. GRCh37 (hg19) VCF-style: chr17-41256967-T-C.
Other names: c.9A>G, p.Leu3= (NM_001407571.1, NM_001407853.1, NM_001407879.1 and 58 more transcripts); c.219A>G, p.Leu73= (NM_001407581.1, NM_001407582.1, NM_001407583.1 and 168 more transcripts); c.141A>G, p.Leu47= (NM_001407653.1, NM_001407654.1, NM_001407655.1 and 21 more transcripts); c.78A>G, p.Leu26= (NM_001407692.1, NM_001407694.1, NM_001407695.1 and 99 more transcripts); c.-163A>G (NM_001407959.1, NM_001407960.1, NM_001407962.1 and 4 more transcripts); c.87A>G, p.Leu29= (NM_001408451.1); c.-218-10090A>G (NM_001407967.1, NM_001407966.1).
Identifiers: ClinVar variation 231377 (VCV000231377.33), dbSNP rs876659123, ClinGen allele CA10580709.
Genomic context (GRCh38, chr17:43,104,950, plus strand): 5'-AAAAGCACAAATGATTTTCAATAGCTCTTCAACAAGTTGACTAAATCTCGTACTTTCTTG[T>C]AGGCTCCTGAAATTAAATTGTTTGAGAAACACACTCAGCAAGTGATTATCAACCTTTTAA-3'
Protein context (NP_009225.1, residues 63-83): LCKNDITKRS[Leu73=]QESTRFSQLV

ClinVar aggregate classification (germline): Likely benign. Review status: reviewed by expert panel (3 of 4 stars). 6 submissions from 6 submitters: Likely benign (1). 5 of the submissions do not count toward it. Last evaluated 2017-06-29.

Conditions:
Hereditary cancer-predisposing syndrome. Also called: Neoplastic Syndromes, Hereditary; Hereditary Cancer Syndrome; Tumor predisposition; Hereditary neoplastic syndrome. Identifiers: Orphanet 140162, MedGen C0027672, MeSH D009386, MONDO:0015356.
Hereditary breast ovarian cancer syndrome. Also called: BRCA1- and BRCA2-Associated Hereditary Breast and Ovarian Cancer; Hereditary breast and ovarian cancer syndrome (HBOC); Hereditary breast and ovarian cancer syndrome; Hereditary breast and ovarian cancer; Hereditary breast and/or ovarian cancer syndrome; Breast and ovarian cancer. Identifiers: Orphanet 145, MedGen C0677776, MeSH D061325, MONDO:0003582. Disease mechanism: loss of function.
Breast-ovarian cancer, familial, susceptibility to, 1 (BROVCA1). Also called: OVARIAN CANCER, SUSCEPTIBILITY TO; BRCA1 Hereditary Breast and Ovarian Cancer. Identifiers: Orphanet 145, MedGen C2676676, MONDO:0011450, OMIM 604370. Disease mechanism: loss of function.

Allele frequency attached by ClinVar (database versions not stated): gnomAD exomes below 0.00001.
gnomAD v4.1: 2 of 1,613,342 alleles (0.00012%); highest among the groups gnomAD compares: Admixed American, 0.0033%; no homozygotes.

Submissions (7):

Evidence-based Network for the Interpretation of Germline Mutant Alleles (ENIGMA)
Classification: Likely benign for Breast-ovarian cancer, familial, susceptibility to, 1. Last evaluated: 2017-06-29. Review status: reviewed by expert panel. Criteria: ENIGMA BRCA1/2 Classification Criteria (2017-06-29). Collection method: curation. Allele origin: germline.
Comment: Synonymous substitution variant, with low bioinformatic likelihood to result in a splicing aberration (Splicing prior probability 0.02).

Labcorp Genetics (formerly Invitae), Labcorp
Classification: Likely benign for Hereditary breast ovarian cancer syndrome. Last evaluated: 2025-08-17. Review status: criteria provided, single submitter. Criteria: Invitae Variant Classification Sherloc (09022015). Collection method: clinical testing. Allele origin: germline. Not counted in ClinVar's aggregate classification.

CeGaT Center for Human Genetics Tuebingen
Classification: Likely benign. Last evaluated: 2025-05-01. Review status: criteria provided, single submitter. Criteria: CeGaT Center For Human Genetics Tuebingen Variant Classification Criteria Version 2. Collection method: clinical testing. Allele origin: germline. Affected: yes. Observed: 1 variant allele. Not counted in ClinVar's aggregate classification.
Comment: BRCA1: BP4, BP7

Women's Health and Genetics/Laboratory Corporation of America, LabCorp
Classification: Likely benign. Last evaluated: 2019-05-06. Review status: criteria provided, single submitter. Criteria: LabCorp Variant Classification Summary - May 2015. Collection method: clinical testing. Allele origin: germline. Not counted in ClinVar's aggregate classification.
Comment: Variant summary: BRCA1 c.219A>G alters a non-conserved nucleotide resulting in a synonymous change. 5/5 computational tools predict no significant impact on normal splicing. However, these predictions have yet to be confirmed by functional studies. The variant was absent in 251106 control chromosomes (gnomAD). The available data on variant occurrences in the general population are insufficient to allow any conclusion about variant significance. To our knowledge, no occurrence of c.219A>G in individuals affected with Hereditary Breast and Ovarian Cancer and no experimental evidence demonstrating its impact on protein function have been reported. Four submitters, including one expert panel have provided clinical-significance assessments for this variant in ClinVar after 2014 without evidence for independent evaluation, and classified the variant as likely benign. Based on the evidence outlined above, the variant was classified as likely benign.

Color Diagnostics, LLC DBA Color Health
Classification: Likely benign for Hereditary cancer-predisposing syndrome. Last evaluated: 2017-07-28. Review status: criteria provided, single submitter. Criteria: ACMG Guidelines, 2015. Collection method: clinical testing. Allele origin: germline. Not counted in ClinVar's aggregate classification.

Ambry Genetics
Classification: Likely benign for Hereditary cancer-predisposing syndrome. Last evaluated: 2015-04-14. Review status: criteria provided, single submitter. Criteria: Ambry Variant Classification Scheme 2023. Collection method: clinical testing. Allele origin: germline. Not counted in ClinVar's aggregate classification.

Brotman Baty Institute, University of Washington
No classification provided (evidence only). Condition: Breast-ovarian cancer, familial 1. Review status: no classification provided. Collection method: in vitro. Allele origin: not applicable. Functional consequence: functionally_normal. Not counted in ClinVar's aggregate classification.
ClinVar note: "not provided" was previously submitted as the classification for the variant. However, the classification appeared to be based only on an observation of functional data so it was converted to no classification on 2025-07-30.